The following is an entry in ClinVar:

NM_001206927.2(DNAH8):c.2434G>A (p.Gly812Arg)

Gene: DNAH8 (dynein axonemal heavy chain 8; plus strand). Cytogenetic location: 6p21.2.
Variant type: single nucleotide variant.
Coding change: c.2434G>A on transcript NM_001206927.2 (MANE Select); coding-DNA position 2434, G replaced by A.
Protein change: p.Gly812Arg; replaces glycine 812 with arginine.
Molecular consequence: missense variant.
Genome position (GRCh38, 1-based): chr6:38,786,803, G>A. VCF-style: chr6-38786803-G-A. GRCh37 (hg19) VCF-style: chr6-38754579-G-A.
Other names: c.1783G>A, p.Gly595Arg (NM_001371.4); short protein forms G595R, G812R.
Identifiers: ClinVar variation 849863 (VCV000849863.9), dbSNP rs888196252, ClinGen allele CA137578583.

ClinVar aggregate classification (germline): Uncertain significance. Review status: criteria provided, multiple submitters, no conflicts (2 of 4 stars). 2 submissions from 2 submitters: Uncertain significance (2). Last evaluated 2024-10-16.

Conditions:
Primary ciliary dyskinesia. Also called: Ciliary dyskinesia. Identifiers: Orphanet 244, MedGen C0008780, MONDO:0016575, HP:0012265.

Allele frequency attached by ClinVar (database versions not stated): gnomAD exomes below 0.00001 and 0.00001; gnomAD 0.00002; TOPMed 0.00003.
gnomAD v4.1: 7 of 1,612,310 alleles (0.00043%); highest among the groups gnomAD compares: African/African-American, 0.0013%; no homozygotes.

Submissions (2):

Ambry Genetics
Classification: Uncertain significance. Last evaluated: 2024-10-16. Review status: criteria provided, single submitter. Criteria: Ambry Variant Classification Scheme 2023. Collection method: clinical testing. Allele origin: germline.

Labcorp Genetics (formerly Invitae), Labcorp
Classification: Uncertain significance for Primary ciliary dyskinesia. Last evaluated: 2022-08-16. Review status: criteria provided, single submitter. Criteria: Invitae Variant Classification Sherloc (09022015). Collection method: clinical testing. Allele origin: germline.
Comment: This variant has not been reported in the literature in individuals affected with DNAH8-related conditions. This variant is present in population databases (no rsID available, gnomAD 0.0009%). This sequence change replaces glycine, which is neutral and non-polar, with arginine, which is basic and polar, at codon 812 of the DNAH8 protein (p.Gly812Arg). In summary, the available evidence is currently insufficient to determine the role of this variant in disease. Therefore, it has been classified as a Variant of Uncertain Significance. Algorithms developed to predict the effect of missense changes on protein structure and function are either unavailable or do not agree on the potential impact of this missense change (SIFT: "Deleterious"; PolyPhen-2: "Not Available"; Align-GVGD: "Class C0"). ClinVar contains an entry for this variant (Variation ID: 849863).